The following is an entry in ClinVar:

ClinVar aggregate classification (germline): Uncertain significance. Review status: criteria provided, multiple submitters, no conflicts (2 of 4 stars). 2 submissions from 2 submitters: Uncertain significance (2). Last evaluated 2026-02-14.

Conditions:
Fetal anomalies with a likely genetic cause.
Baller-Gerold syndrome (BGS). Also called: CRANIOSYNOSTOSIS WITH RADIAL DEFECTS. Identifiers: Orphanet 1225, MedGen C0265308, MONDO:0009039, OMIM 218600.

Allele frequency attached by ClinVar (database versions not stated): gnomAD exomes 0.00001.
gnomAD v4.1: 6 of 1,612,194 alleles (0.00037%); highest among the groups gnomAD compares: Non-Finnish European, 0.00042%; no homozygotes.

Submissions (2):

Genetics Laboratory, Great Ormond Street Hospital NHS Foundation Trust, North Thames Genomic Laboratory Hub
Classification: Uncertain significance for Fetal anomalies with a likely genetic cause. Last evaluated: 2026-02-14. Review status: criteria provided, single submitter. Criteria: ACGS Best Practice Guidelines for Variant Classification in Rare Disease 2024 v1.2. Collection method: clinical testing. Allele origin: germline. Affected: yes.
Comment: PM2_moderate, PVS1_moderate

Labcorp Genetics (formerly Invitae), Labcorp
Classification: Uncertain significance for Baller-Gerold syndrome. Last evaluated: 2022-09-21. Review status: criteria provided, single submitter. Criteria: Invitae Variant Classification Sherloc (09022015). Collection method: clinical testing. Allele origin: germline.
Comment: Variants that disrupt the consensus splice site are a relatively common cause of aberrant splicing (PMID: 17576681, 9536098). Algorithms developed to predict the effect of sequence changes on RNA splicing suggest that this variant may disrupt the consensus splice site. In summary, the available evidence is currently insufficient to determine the role of this variant in disease. Therefore, it has been classified as a Variant of Uncertain Significance. This variant disrupts the C-terminus of the RECQL4 protein. Other variant(s) that disrupt this region (p.Thr1200ArgfsX26) have been observed in individuals with RECQL4-related conditions (PMID: 18716613). This suggests that this may be a clinically significant region of the protein. This variant has not been reported in the literature in individuals affected with RECQL4-related conditions. This variant is not present in population databases (gnomAD no frequency). This sequence change affects a donor splice site in intron 20 of the RECQL4 gene. While this variant is not anticipated to result in nonsense mediated decay, it likely alters RNA splicing and results in a disrupted protein product.

Literature cited by the submitters: PubMed 17576681 (cited by Labcorp Genetics (formerly Invitae), Labcorp); PubMed 9536098 (cited by Labcorp Genetics (formerly Invitae), Labcorp); PubMed 18716613 (cited by Labcorp Genetics (formerly Invitae), Labcorp).

NM_004260.4(RECQL4):c.3502+2T>A

Gene: RECQL4 (RecQ like helicase 4; minus strand). Cytogenetic location: 8q24.3.
Variant type: single nucleotide variant.
Coding change: c.3502+2T>A on transcript NM_004260.4 (MANE Select); the canonical splice donor site of the intron after coding-DNA position 3502, T replaced by A.
Molecular consequence: splice donor variant.
Genome position (GRCh38, 1-based): chr8:144,511,679, A>T on the plus strand (T>A on the coding strand, the complement: RECQL4 is on the minus strand). VCF-style: chr8-144511679-A-T. GRCh37 (hg19) VCF-style: chr8-145737062-A-T.
Other names: c.3373+2T>A (NM_001413025.1); c.3151+2T>A (NM_001413029.1); c.2365+2T>A (NM_001413032.1, NM_001413027.1, NM_001413030.1); c.2431+2T>A (NM_001413035.1, NM_001413040.1, NM_001413021.1 and 4 more transcripts); c.3208+2T>A (NM_001413017.1); c.3406+2T>A (NM_001413020.1); c.3472+2T>A (NM_001413039.1); c.3370+2T>A (NM_001413033.1); and 9 more.
Identifiers: ClinVar variation 2044505 (VCV002044505.5), dbSNP rs2537964265, ClinGen allele CA372666386.